The following is an entry in ClinVar:

ClinVar aggregate classification (germline): Uncertain significance (1 of 4 stars; one submission).

Conditions:
Immunodeficiency 51 (IMD51). Also called: CANDIDIASIS, FAMILIAL, 5. Identifiers: Orphanet 1334, MedGen C4310803, MONDO:0013500, OMIM 613953.

Allele frequency attached by ClinVar (database versions not stated): gnomAD 0.00001; TOPMed 0.00002.
gnomAD v4.1: 14 of 1,613,224 alleles (0.00087%); highest among the groups gnomAD compares: Non-Finnish European, 0.0012%; no homozygotes.

Submission:

Labcorp Genetics (formerly Invitae), Labcorp
Classification: Uncertain significance for Immunodeficiency 51. Last evaluated: 2022-08-15. Review status: criteria provided, single submitter. Criteria: Invitae Variant Classification Sherloc (09022015). Collection method: clinical testing. Allele origin: germline.
Comment: Algorithms developed to predict the effect of missense changes on protein structure and function (SIFT, PolyPhen-2, Align-GVGD) all suggest that this variant is likely to be tolerated. In summary, the available evidence is currently insufficient to determine the role of this variant in disease. Therefore, it has been classified as a Variant of Uncertain Significance. This variant is present in population databases (rs774973347, gnomAD 0.002%). This variant has not been reported in the literature in individuals affected with IL17RA-related conditions. ClinVar contains an entry for this variant (Variation ID: 1002733). This sequence change replaces leucine, which is neutral and non-polar, with valine, which is neutral and non-polar, at codon 739 of the IL17RA protein (p.Leu739Val).

NM_014339.7(IL17RA):c.2215C>G (p.Leu739Val)

Gene: IL17RA (interleukin 17 receptor A; plus strand). Cytogenetic location: 22q11.1.
Variant type: single nucleotide variant.
Coding change: c.2215C>G on transcript NM_014339.7 (MANE Select); coding-DNA position 2215, C replaced by G.
Protein change: p.Leu739Val; replaces leucine 739 with valine.
Molecular consequence: missense variant.
Genome position (GRCh38, 1-based): chr22:17,109,434, C>G. VCF-style: chr22-17109434-C-G. GRCh37 (hg19) VCF-style: chr22-17590324-C-G.
Other names: c.2113C>G, p.Leu705Val (NM_001289905.2); short protein forms L705V, L739V.
Identifiers: ClinVar variation 1002733 (VCV001002733.8), dbSNP rs774973347, ClinGen allele CA10086941.